The following is an entry in ClinVar:

ClinVar aggregate classification (germline): Benign. Review status: criteria provided, multiple submitters, no conflicts (2 of 4 stars). 3 submissions from 3 submitters: Benign (2). 1 of the submissions does not count toward it. Last evaluated 2026-02-03.

Conditions:
FTCD-related disorder. Also called: FTCD-related condition.
Glutamate formiminotransferase deficiency. Also called: Arakawa syndrome 1; Formiminoglutamic aciduria. Identifiers: Orphanet 51208, MedGen C0268609, MONDO:0009240, OMIM 229100.

Allele frequency attached by ClinVar (database versions not stated): gnomAD exomes 0.05371 and 0.08416; ExAC 0.08689; ESP Exome Variant Server 0.09165; gnomAD 0.09606 and 0.09839; TOPMed 0.11062; 1000 Genomes Project 30x 0.16505; 1000 Genomes Project 0.16753.
gnomAD v4.1: 94,254 of 1,613,008 alleles (5.8%); highest among the groups gnomAD compares: East Asian, 40%; 7,010 homozygotes.

Submissions (9):

Labcorp Genetics (formerly Invitae), Labcorp
Classification: Benign for Glutamate formiminotransferase deficiency. Last evaluated: 2026-02-03. Review status: criteria provided, single submitter. Criteria: Invitae Variant Classification Sherloc (09022015). Collection method: clinical testing. Allele origin: germline.

Breakthrough Genomics
Classification: Benign. Review status: criteria provided, single submitter. Criteria: ACMG Guidelines, 2015. Collection method: not provided. Allele origin: germline. Inheritance: Autosomal recessive inheritance. Affected: yes.

PreventionGenetics, part of Exact Sciences
Classification: Benign for FTCD-related condition. Last evaluated: 2019-09-24. Review status: no assertion criteria provided. Collection method: clinical testing. Allele origin: germline. Not counted in ClinVar's aggregate classification.
Comment: This variant is classified as benign based on ACMG/AMP sequence variant interpretation guidelines (Richards et al. 2015 PMID: 25741868, with internal and published modifications).

Dr. Peter K. Rogan Lab, Western University
No classification provided (evidence only). Condition: Thymoma. Review status: no classification provided. Collection method: in vitro. Allele origin: not applicable. Functional consequence: retained intron. Not counted in ClinVar's aggregate classification.

Dr. Peter K. Rogan Lab, Western University
No classification provided (evidence only). Condition: Thymoma. Review status: no classification provided. Collection method: in vitro. Allele origin: not applicable. Functional consequence: retained intron. Not counted in ClinVar's aggregate classification.

Dr. Peter K. Rogan Lab, Western University
No classification provided (evidence only). Condition: Adrenocortical carcinoma, hereditary. Review status: no classification provided. Collection method: in vitro. Allele origin: not applicable. Functional consequence: retained intron. Not counted in ClinVar's aggregate classification.

Dr. Peter K. Rogan Lab, Western University
No classification provided (evidence only). Condition: Uterine carcinosarcoma. Review status: no classification provided. Collection method: in vitro. Allele origin: not applicable. Functional consequence: retained intron. Not counted in ClinVar's aggregate classification.

Dr. Peter K. Rogan Lab, Western University
No classification provided (evidence only). Condition: Uterine carcinosarcoma. Review status: no classification provided. Collection method: in vitro. Allele origin: not applicable. Functional consequence: retained intron. Not counted in ClinVar's aggregate classification.

Dr. Peter K. Rogan Lab, Western University
No classification provided (evidence only). Condition: Uterine carcinosarcoma. Review status: no classification provided. Collection method: in vitro. Allele origin: not applicable. Functional consequence: retained intron. Not counted in ClinVar's aggregate classification.

NM_206965.2(FTCD):c.1470C>T (p.Gly490=)

Gene: FTCD (formimidoyltransferase cyclodeaminase; minus strand). Cytogenetic location: 21q22.3.
Variant type: single nucleotide variant.
Coding change: c.1470C>T on transcript NM_206965.2 (MANE Select); coding-DNA position 1470, C replaced by T.
Protein change: p.Gly490=; no amino-acid change (glycine 490 retained).
Molecular consequence: synonymous variant.
Genome position (GRCh38, 1-based): chr21:46,137,308, G>A on the plus strand (C>T on the coding strand, the complement: FTCD is on the minus strand). VCF-style: chr21-46137308-G-A. GRCh37 (hg19) VCF-style: chr21-47557222-G-A.
Other names: c.1470C>T, p.Gly490= (NM_001320412.2, NM_006657.3); c.1470C>T (NM_001320412.1).
Identifiers: ClinVar variation 340414 (VCV000340414.17), dbSNP rs10432965, ClinGen allele CA10073391.
Genomic context (GRCh38, chr21:46,137,308, plus strand): 5'-AAATGCCTCGTCTGTGATGTCCCTCAGGTTGATGAGCACGTTGAAATATGCGCCAAACAC[G>A]CCCATCTCCAGGGCTTTGGCCGCCACCTGCAAGGACCCCAGGGAGCCCCTACATGGATCA-3'
Protein context (NP_996848.1, residues 480-500): LQVAAKALEM[Gly490=]VFGAYFNVLI